The following is an entry in ClinVar:

NM_014026.6(DCPS):c.541G>A (p.Asp181Asn)

Gene: DCPS (decapping enzyme, scavenger; plus strand). Cytogenetic location: 11q24.2.
Variant type: single nucleotide variant.
Coding change: c.541G>A on transcript NM_014026.6 (MANE Select); coding-DNA position 541, G replaced by A.
Protein change: p.Asp181Asn; replaces aspartic acid 181 with asparagine.
Molecular consequence: missense variant.
Genome position (GRCh38, 1-based): chr11:126,338,304, G>A. VCF-style: chr11-126338304-G-A. GRCh37 (hg19) VCF-style: chr11-126208199-G-A.
Other names: c.562G>A, p.Asp188Asn (NM_001350236.2); short protein forms D188N, D181N.
Identifiers: ClinVar variation 1033249 (VCV001033249.1), dbSNP rs772776014, ClinGen allele CA6355037.
Genomic context (GRCh38, chr11:126,338,304, plus strand): 5'-GATGAGTGGATTTGTGAACCATCTCTCTCCCCCTCCTTTCAGTGGGTGTATAACATTCTC[G>A]ACAAGAAGGCTGAAGCGGACCGGATTGTTTTCGAGAACCCAGATCCCTCTGATGGTTTTG-3'
Protein context (NP_054745.1, residues 171-191): LSIQWVYNIL[Asp181Asn]KKAEADRIVF

ClinVar aggregate classification (germline): Uncertain significance (1 of 4 stars; one submission).

Conditions:
Al-Raqad syndrome. Identifiers: MedGen C4085595, MONDO:0014648, OMIM 616459.

Allele frequency attached by ClinVar (database versions not stated): TOPMed 0.00003; gnomAD 0.00004; gnomAD exomes 0.00006 and 0.00007; ExAC 0.00009.
gnomAD v4.1: 93 of 1,614,008 alleles (0.0058%); highest among the groups gnomAD compares: Non-Finnish European, 0.0073%; no homozygotes.

Submission:

Baylor Genetics
Classification: Uncertain significance for Al-Raqad syndrome. Last evaluated: 2018-10-19. Review status: criteria provided, single submitter. Criteria: ACMG Guidelines, 2015. Collection method: clinical testing. Allele origin: maternal. Affected: yes.
Comment: This variant was determined to be of uncertain significance according to ACMG Guidelines, 2015 [PMID:25741868].